The following is an entry in ClinVar:

NM_000493.4(COL10A1):c.2011T>C (p.Ser671Pro)

Genes: COL10A1 (collagen type X alpha 1 chain; minus strand), NT5DC1 (5'-nucleotidase domain containing 1; plus strand). Cytogenetic location: 6q22.1.
Variant type: single nucleotide variant.
Coding change: c.2011T>C on transcript NM_000493.4 (MANE Select); coding-DNA position 2011, T replaced by C.
Protein change: p.Ser671Pro; replaces serine 671 with proline.
Molecular consequence: missense variant. On other transcripts: intron variant (1).
Genome position (GRCh38, 1-based): chr6:116,120,105, A>G on the plus strand (T>C on the coding strand, the complement: COL10A1 is on the minus strand). VCF-style: chr6-116120105-A-G. GRCh37 (hg19) VCF-style: chr6-116441268-A-G.
Other names: c.2011T>C, p.Ser671Pro (NM_001424106.1, NM_001424107.1); c.529+2160A>G (NM_152729.3); c.2011T>C (NM_000493.3); short protein forms S671P.
Identifiers: ClinVar variation 17477 (VCV000017477.13), dbSNP rs111033552, ClinGen allele CA127220.

ClinVar aggregate classification (germline): Pathogenic/Likely pathogenic. Review status: criteria provided, multiple submitters, no conflicts (2 of 4 stars). 4 submissions from 4 submitters: Pathogenic (1); Likely pathogenic (2). 1 of the submissions does not count toward it. Last evaluated 2025-12-20.

Conditions:
Metaphyseal chondrodysplasia, Schmid type (MCDS). Also called: SPONDYLOMETAPHYSEAL DYSPLASIA, JAPANESE TYPE. Identifiers: Orphanet 174, MedGen C0265289, MONDO:0007983, OMIM 156500.

Submissions (4):

Labcorp Genetics (formerly Invitae), Labcorp
Classification: Pathogenic. Last evaluated: 2025-12-20. Review status: criteria provided, single submitter. Criteria: Invitae Variant Classification Sherloc (09022015). Collection method: clinical testing. Allele origin: germline.
Comment: This sequence change replaces serine, which is neutral and polar, with proline, which is neutral and non-polar, at codon 671 of the COL10A1 protein (p.Ser671Pro). This variant is not present in population databases (gnomAD no frequency). This missense change has been observed in individuals with autosomal dominant Schmid metaphyseal chondrodysplasia (PMID: 8986632, 29234170). It has also been observed to segregate with disease in related individuals. ClinVar contains an entry for this variant (Variation ID: 17477). Invitae Evidence Modeling of protein sequence and biophysical properties (such as structural, functional, and spatial information, amino acid conservation, physicochemical variation, residue mobility, and thermodynamic stability) has been performed for this missense variant. However, the output from this modeling did not meet the statistical confidence thresholds required to predict the impact of this variant on COL10A1 protein function. For these reasons, this variant has been classified as Pathogenic.

GeneDx
Classification: Likely pathogenic. Last evaluated: 2024-06-07. Review status: criteria provided, single submitter. Criteria: GeneDx Variant Classification Process June 2021. Collection method: clinical testing. Allele origin: germline. Affected: yes.
Comment: Not observed at significant frequency in large population cohorts (gnomAD); In silico analysis indicates that this missense variant does not alter protein structure/function; This variant is associated with the following publications: (PMID: 29234170, 8986632)

Johns Hopkins Genomics, Johns Hopkins University
Classification: Likely pathogenic for Metaphyseal chondrodysplasia, Schmid type. Last evaluated: 2019-08-30. Review status: criteria provided, single submitter. Criteria: ACMG Guidelines, 2015. Collection method: clinical testing. Allele origin: germline.
Comment: This COL10A1 variant has been previously identified in affected mother and her two affected sons as well as multiple affected individuals in another large family. c.2011T>C is located in the second noncollagenous domain (NC2), a region important to tertiary collagen structure in which many other diseaseâ€associated variants have been identified. This variant is absent from large population datasets and is listed in ClinVar as pathogenic by a single submitter (OMIM). Of three bioinformatics tools queried, two predict that the substitution would be possibly damaging, while one predicts that it would be tolerated. Additionally, the serine residue at this position is evolutionarily conserved across most higher order species assessed. This variant is likely pathogenic in this patient.

OMIM
Classification: Pathogenic for METAPHYSEAL CHONDRODYSPLASIA, SCHMID TYPE. Last evaluated: 1996-12-01. Review status: no assertion criteria provided. Collection method: literature only. Allele origin: germline. Not counted in ClinVar's aggregate classification.

Literature cited by the submitters: PubMed 8986632 (cited by Labcorp Genetics (formerly Invitae), Labcorp and OMIM); PubMed 29234170 (cited by Labcorp Genetics (formerly Invitae), Labcorp).